The following is an entry in ClinVar:

ClinVar aggregate classification (germline): Uncertain significance (1 of 4 stars; one submission).

Submission:

Ambry Genetics
Classification: Uncertain significance. Last evaluated: 2023-04-25. Review status: criteria provided, single submitter. Criteria: Ambry Variant Classification Scheme 2023. Collection method: clinical testing. Allele origin: germline.
Comment: The p.I520V variant (also known as c.1558A>G), located in coding exon 14 of the BUB1 gene, results from an A to G substitution at nucleotide position 1558. The isoleucine at codon 520 is replaced by valine, an amino acid with highly similar properties. This amino acid position is conserved. In addition, this alteration is predicted to be tolerated by in silico analysis. Since supporting evidence is limited at this time, the clinical significance of this alteration remains unclear.

NM_004336.5(BUB1):c.1558A>G (p.Ile520Val)

Gene: BUB1 (BUB1 mitotic checkpoint serine/threonine kinase; minus strand). Cytogenetic location: 2q13.
Variant type: single nucleotide variant.
Coding change: c.1558A>G on transcript NM_004336.5 (MANE Select); coding-DNA position 1558, A replaced by G.
Protein change: p.Ile520Val; replaces isoleucine 520 with valine.
Molecular consequence: missense variant.
Genome position (GRCh38, 1-based): chr2:110,657,604, T>C on the plus strand (A>G on the coding strand, the complement: BUB1 is on the minus strand). VCF-style: chr2-110657604-T-C. GRCh37 (hg19) VCF-style: chr2-111415181-T-C.
Other names: c.1498A>G, p.Ile500Val (NM_001278616.2); c.1558A>G, p.Ile520Val (NM_001278617.2); short protein forms I500V, I520V.
Identifiers: ClinVar variation 2565794 (VCV002565794.2), dbSNP rs2468007567, ClinGen allele CA348211994.